The following is an entry in ClinVar:

NM_004667.6(HERC2):c.14092G>A (p.Ala4698Thr)

Gene: HERC2 (HECT and RLD domain containing E3 ubiquitin protein ligase 2; minus strand). Cytogenetic location: 15q13.1.
Variant type: single nucleotide variant.
Coding change: c.14092G>A on transcript NM_004667.6 (MANE Select); coding-DNA position 14092, G replaced by A.
Protein change: p.Ala4698Thr; replaces alanine 4698 with threonine.
Molecular consequence: missense variant.
Genome position (GRCh38, 1-based): chr15:28,113,211, C>T on the plus strand (G>A on the coding strand, the complement: HERC2 is on the minus strand). VCF-style: chr15-28113211-C-T. GRCh37 (hg19) VCF-style: chr15-28358357-C-T.
Other names: c.14092G>A (NM_004667.5); short protein forms A4698T.
Identifiers: ClinVar variation 2530732 (VCV002530732.3), dbSNP rs769955734, ClinGen allele CA7439735.

ClinVar aggregate classification (germline): Uncertain significance. Review status: criteria provided, multiple submitters, no conflicts (2 of 4 stars). 2 submissions from 2 submitters: Uncertain significance (2). Last evaluated 2025-02-16.

Conditions:
Inborn genetic diseases. Identifiers: MedGen C0950123, MeSH D030342.

Allele frequency attached by ClinVar (database versions not stated): gnomAD 0.00001; TOPMed 0.00001; ExAC 0.00004.
gnomAD v4.1: 35 of 1,614,022 alleles (0.0022%); highest among the groups gnomAD compares: Admixed American, 0.0067%; no homozygotes.

Submissions (2):

GeneDx
Classification: Uncertain significance. Last evaluated: 2025-02-16. Review status: criteria provided, single submitter. Criteria: GeneDx Variant Classification Process June 2021. Collection method: clinical testing. Allele origin: germline. Affected: yes.
Comment: In silico analysis indicates that this missense variant does not alter protein structure/function; Has not been previously published as pathogenic or benign to our knowledge

Ambry Genetics
Classification: Uncertain significance for Inborn genetic diseases. Last evaluated: 2023-03-28. Review status: criteria provided, single submitter. Criteria: Ambry Variant Classification Scheme 2023. Collection method: clinical testing. Allele origin: germline.